The following is an entry in ClinVar:

NM_177438.3(DICER1):c.1744A>G (p.Ile582Val)

Gene: DICER1 (dicer 1, ribonuclease III; minus strand). Cytogenetic location: 14q32.13.
Variant type: single nucleotide variant.
Coding change: c.1744A>G on transcript NM_177438.3 (MANE Select); coding-DNA position 1744, A replaced by G.
Protein change: p.Ile582Val; replaces isoleucine 582 with valine.
Molecular consequence: missense variant.
Genome position (GRCh38, 1-based): chr14:95,116,461, T>C on the plus strand (A>G on the coding strand, the complement: DICER1 is on the minus strand). VCF-style: chr14-95116461-T-C. GRCh37 (hg19) VCF-style: chr14-95582798-T-C.
Other names: c.1744A>G (NM_177438.2); c.1744A>G, p.Ile582Val (NM_001195573.1, NM_001271282.3, NM_001291628.2 and 1 more transcripts); short protein forms I582V.
Identifiers: ClinVar variation 1422894 (VCV001422894.8), dbSNP rs2140122754, ClinGen allele CA390884661.
Genomic context (GRCh38, chr14:95,116,461, plus strand): 5'-ACATTAATTTTTTTTCCCAATCTGCCGGCACATGTTAATATGTTGATCTTACCTTTTCAA[T>C]AGCTTTGTAGGTTTTAAGGTCTTCTTCAAAACTTTTTATTTTGTCTGTATCCGCTAACAT-3'
Protein context (NP_803187.1, residues 572-592): FEEDLKTYKA[Ile582Val]EKILRNKCSK

ClinVar aggregate classification (germline): Uncertain significance. Review status: criteria provided, multiple submitters, no conflicts (2 of 4 stars). 2 submissions from 2 submitters: Uncertain significance (2). Last evaluated 2024-04-17.

Conditions:
DICER1-related tumor predisposition. Also called: DICER1-related pleuropulmonary blastoma cancer predisposition syndrome; DICER1 syndrome. Identifiers: Orphanet 284343, MedGen C3839822, MONDO:0100216.
Hereditary cancer-predisposing syndrome. Also called: Hereditary neoplastic syndrome; Tumor predisposition; Hereditary Cancer Syndrome; Neoplastic Syndromes, Hereditary. Identifiers: Orphanet 140162, MedGen C0027672, MeSH D009386, MONDO:0015356.

Allele frequency attached by ClinVar (database versions not stated): gnomAD exomes below 0.00001.
gnomAD v4.1: 2 of 1,611,950 alleles (0.00012%); highest among the groups gnomAD compares: East Asian, 0.0022%; no homozygotes.

Submissions (2):

Ambry Genetics
Classification: Uncertain significance for Hereditary cancer-predisposing syndrome. Last evaluated: 2024-04-17. Review status: criteria provided, single submitter. Criteria: Ambry Variant Classification Scheme 2023. Collection method: clinical testing. Allele origin: germline.
Comment: The p.I582V variant (also known as c.1744A>G), located in coding exon 9 of the DICER1 gene, results from an A to G substitution at nucleotide position 1744. The isoleucine at codon 582 is replaced by valine, an amino acid with highly similar properties. This amino acid position is conserved. In addition, this alteration is predicted to be tolerated by in silico analysis. Based on the available evidence, the clinical significance of this variant remains unclear.

Labcorp Genetics (formerly Invitae), Labcorp
Classification: Uncertain significance for DICER1-related tumor predisposition. Last evaluated: 2024-02-01. Review status: criteria provided, single submitter. Criteria: Invitae Variant Classification Sherloc (09022015). Collection method: clinical testing. Allele origin: germline.
Comment: This sequence change replaces isoleucine, which is neutral and non-polar, with valine, which is neutral and non-polar, at codon 582 of the DICER1 protein (p.Ile582Val). This variant is not present in population databases (gnomAD no frequency). This variant has not been reported in the literature in individuals affected with DICER1-related conditions. ClinVar contains an entry for this variant (Variation ID: 1422894). Advanced modeling of protein sequence and biophysical properties (such as structural, functional, and spatial information, amino acid conservation, physicochemical variation, residue mobility, and thermodynamic stability) performed at Invitae indicates that this missense variant is not expected to disrupt DICER1 protein function with a negative predictive value of 80%. In summary, the available evidence is currently insufficient to determine the role of this variant in disease. Therefore, it has been classified as a Variant of Uncertain Significance.